The following is an entry in ClinVar:

ClinVar aggregate classification (germline): Uncertain significance (1 of 4 stars; one submission).

Conditions:
Left ventricular noncompaction 1 (LVNC1). Also called: LEFT VENTRICULAR NONCOMPACTION 1 WITH OR WITHOUT CONGENITAL HEART DEFECTS. Identifiers: Orphanet 54260, MedGen C1858725, MONDO:0011403, OMIM 604169.

Allele frequency attached by ClinVar (database versions not stated): gnomAD exomes below 0.00001; gnomAD 0.00001; TOPMed 0.00001; ExAC 0.00002; ESP Exome Variant Server 0.00008.
gnomAD v4.1: 7 of 1,613,522 alleles (0.00043%); highest among the groups gnomAD compares: African/African-American, 0.0013%; no homozygotes.

Submission:

Labcorp Genetics (formerly Invitae), Labcorp
Classification: Uncertain significance for Left ventricular noncompaction 1. Last evaluated: 2021-08-24. Review status: criteria provided, single submitter. Criteria: Invitae Variant Classification Sherloc (09022015). Collection method: clinical testing. Allele origin: germline.
Comment: This sequence change replaces glycine with arginine at codon 410 of the DTNA protein (p.Gly410Arg). The glycine residue is moderately conserved and there is a moderate physicochemical difference between glycine and arginine. This variant is present in population databases (rs373427602, ExAC 0.003%). This variant has not been reported in the literature in individuals affected with DTNA-related conditions. Algorithms developed to predict the effect of missense changes on protein structure and function are either unavailable or do not agree on the potential impact of this missense change (SIFT: "Deleterious"; PolyPhen-2: "Benign"; Align-GVGD: "Class C0"). Algorithms developed to predict the effect of sequence changes on RNA splicing suggest that this variant may create or strengthen a splice site. In summary, the available evidence is currently insufficient to determine the role of this variant in disease. Therefore, it has been classified as a Variant of Uncertain Significance.

NM_001386795.1(DTNA):c.1309G>A (p.Gly437Arg)

Gene: DTNA (dystrobrevin alpha; plus strand). Cytogenetic location: 18q12.1.
Variant type: single nucleotide variant.
Coding change: c.1309G>A on transcript NM_001386795.1 (MANE Select); coding-DNA position 1309, G replaced by A.
Protein change: p.Gly437Arg; replaces glycine 437 with arginine.
Molecular consequence: missense variant. On other transcripts: intron variant (33).
Genome position (GRCh38, 1-based): chr18:34,838,800, G>A. VCF-style: chr18-34838800-G-A. GRCh37 (hg19) VCF-style: chr18-32418764-G-A.
Other names: c.355G>A, p.Gly119Arg (NM_001198942.1); c.1309G>A, p.Gly437Arg (NM_001386788.1); c.1228G>A, p.Gly410Arg (NM_001390.5, NM_001391.5); c.1219G>A, p.Gly407Arg (NM_032978.7); c.1095-9496G>A (NM_032975.4, NM_001386761.1, NM_001386762.1 and 1 more transcripts); c.1175+9311G>A (NM_001386754.1, NM_001386755.1, NM_001386760.1 and 5 more transcripts); c.1086-9496G>A (NM_001386763.1, NM_001386764.1, NM_001386768.1 and 13 more transcripts); c.604-13031G>A (NM_001198945.2); and 4 more; short protein forms G410R, G119R, G407R, G437R.
Identifiers: ClinVar variation 1522410 (VCV001522410.5), dbSNP rs373427602, ClinGen allele CA8935667.